The following is an entry in ClinVar:

NM_015311.3(OBSL1):c.1479C>T (p.Gly493=)

Gene: OBSL1 (obscurin like cytoskeletal adaptor 1; minus strand). Cytogenetic location: 2q35.
Variant type: single nucleotide variant.
Coding change: c.1479C>T on transcript NM_015311.3 (MANE Select); coding-DNA position 1479, C replaced by T.
Protein change: p.Gly493=; no amino-acid change (glycine 493 retained).
Molecular consequence: synonymous variant.
Genome position (GRCh38, 1-based): chr2:219,567,773, G>A on the plus strand (C>T on the coding strand, the complement: OBSL1 is on the minus strand). VCF-style: chr2-219567773-G-A. GRCh37 (hg19) VCF-style: chr2-220432495-G-A.
Other names: c.1479C>T, p.Gly493= (NM_001173408.2, NM_001173431.2).
Identifiers: ClinVar variation 1224432 (VCV001224432.8), dbSNP rs778142809, ClinGen allele CA2131527.

ClinVar aggregate classification (germline): Uncertain significance. Review status: criteria provided, multiple submitters, no conflicts (2 of 4 stars). 3 submissions from 3 submitters: Uncertain significance (3). Last evaluated 2024-03-07.

Conditions:
3M syndrome 2. Also called: 3-M Syndrome, OBSL1-Related; THREE M SYNDROME 2. Identifiers: Orphanet 2616, MedGen C2752041, MONDO:0013039, OMIM 612921.

Allele frequency attached by ClinVar (database versions not stated): TOPMed below 0.00001; gnomAD 0.00001; ExAC 0.00002; gnomAD exomes 0.00002.
gnomAD v4.1: 28 of 1,613,696 alleles (0.0017%); highest among the groups gnomAD compares: South Asian, 0.0044%; no homozygotes.

Submissions (3):

Blueprint Genetics
Classification: Uncertain significance. Last evaluated: 2024-03-07. Review status: criteria provided, single submitter. Criteria: ACMG Guidelines, 2015. Collection method: clinical testing. Allele origin: germline.

Labcorp Genetics (formerly Invitae), Labcorp
Classification: Uncertain significance. Last evaluated: 2023-05-22. Review status: criteria provided, single submitter. Criteria: Invitae Variant Classification Sherloc (09022015). Collection method: clinical testing. Allele origin: germline.
Comment: This variant is present in population databases (rs778142809, gnomAD 0.006%). In summary, the available evidence is currently insufficient to determine the role of this variant in disease. Therefore, it has been classified as a Variant of Uncertain Significance. Algorithms developed to predict the effect of sequence changes on RNA splicing suggest that this variant may create or strengthen a splice site. ClinVar contains an entry for this variant (Variation ID: 1224432). This variant has not been reported in the literature in individuals affected with OBSL1-related conditions. This sequence change affects codon 493 of the OBSL1 mRNA. It is a 'silent' change, meaning that it does not change the encoded amino acid sequence of the OBSL1 protein.

Suma Genomics
Classification: Uncertain significance for 3M syndrome 2. Review status: criteria provided, single submitter. Criteria: ACMG Guidelines, 2015. Collection method: clinical testing. Allele origin: germline. Inheritance: Autosomal recessive inheritance. Affected: yes. Observed: 1 homozygote.
Comment: This variant is observed in 28 individuals in the gnomAD database in heterozygous state. In-silico analysis tool SpliceAI predicts this variant in OBSL1 to cause aberrant splicing. ACMG classification: Variant of uncertain significance Criteria met: PM2_Supporting: Extremely low frequency in gnomAD population databases